The following is an entry in ClinVar:

NM_001348716.2(KDM6B):c.1644_1646del (p.Pro549del)

Gene: KDM6B (lysine demethylase 6B; plus strand). Cytogenetic location: 17p13.1.
Variant type: Deletion.
Coding change: c.1644_1646del on transcript NM_001348716.2 (MANE Select); coding-DNA positions 1644 to 1646, 3 bases deleted (CCC; older notation c.1644_1646delCCC).
Protein change: p.Pro549del; deletes proline 549.
Molecular consequence: inframe deletion.
Genome position (GRCh38, 1-based): chr17:7,847,932-7,847,934, CCC deleted; deleting any 3 consecutive bases within chr17:7,847,931-7,847,934 gives the same sequence; the c. name uses the placement nearest the transcript's 3' end. VCF-style (leftmost placement, unchanged base first): chr17-7847930-ACCC-A. GRCh37 (hg19) VCF-style: chr17-7751248-ACCC-A.
Other names: c.1644_1646del, p.Pro549del (NM_001080424.2); short protein forms P549del.
Identifiers: ClinVar variation 5007927 (VCV005007927.1).

ClinVar aggregate classification (germline): Uncertain significance (1 of 4 stars; one submission).

Submission:

GeneDx
Classification: Uncertain significance. Last evaluated: 2026-03-02. Review status: criteria provided, single submitter. Criteria: GeneDx Variant Classification Process June 2021. Collection method: clinical testing. Allele origin: germline.
Comment: Not observed at significant frequency in large population cohorts (gnomAD); In-frame deletion of 1 amino acid in a non-repeat region; In silico analysis suggests that this variant does not alter protein structure/function; Has not been previously published as pathogenic or benign to our knowledge